The following is an entry in ClinVar:

NM_005732.4(RAD50):c.3199A>T (p.Ile1067Leu)

Gene: RAD50 (RAD50 double strand break repair protein; plus strand). Cytogenetic location: 5q31.1.
Variant type: single nucleotide variant.
Coding change: c.3199A>T on transcript NM_005732.4 (MANE Select); coding-DNA position 3199, A replaced by T.
Protein change: p.Ile1067Leu; replaces isoleucine 1067 with leucine.
Molecular consequence: missense variant.
Genome position (GRCh38, 1-based): chr5:132,618,104, A>T. VCF-style: chr5-132618104-A-T. GRCh37 (hg19) VCF-style: chr5-131953796-A-T.
Other names: short protein forms I1067L.
Identifiers: ClinVar variation 1728747 (VCV001728747.3), dbSNP rs1561650785, ClinGen allele CA360964305.
Genomic context (GRCh38, chr5:132,618,104, plus strand): 5'-TCATTTGTCATTTTTCTTTTTTACAGTGAACATCAGAAGTTGGAAGAGAACATAGACAAT[A>T]TAAAAAGAAATCATAATTTGGCATTAGGGCGACAGAAAGGTTATGAAGAAGAAATTATTC-3'
Protein context (NP_005723.2, residues 1057-1077): HQKLEENIDN[Ile1067Leu]KRNHNLALGR

ClinVar aggregate classification (germline): Uncertain significance (1 of 4 stars; one submission).

Conditions:
Hereditary cancer-predisposing syndrome. Also called: Tumor predisposition; Neoplastic Syndromes, Hereditary; Hereditary Cancer Syndrome; Hereditary neoplastic syndrome. Identifiers: Orphanet 140162, MedGen C0027672, MeSH D009386, MONDO:0015356.

Allele frequency attached by ClinVar (database versions not stated): TOPMed below 0.00001.

Submission:

Ambry Genetics
Classification: Uncertain significance for Hereditary cancer-predisposing syndrome. Last evaluated: 2024-08-17. Review status: criteria provided, single submitter. Criteria: Ambry Variant Classification Scheme 2023. Collection method: clinical testing. Allele origin: germline.
Comment: The p.I1067L variant (also known as c.3199A>T), located in coding exon 21 of the RAD50 gene, results from an A to T substitution at nucleotide position 3199. The isoleucine at codon 1067 is replaced by leucine, an amino acid with highly similar properties. This amino acid position is not well conserved in available vertebrate species. In addition, this alteration is predicted to be tolerated by in silico analysis. Since supporting evidence is limited at this time, the clinical significance of this alteration remains unclear.